The following is an entry in ClinVar:

ClinVar aggregate classification (germline): Uncertain significance (1 of 4 stars; one submission).

Submission:

Labcorp Genetics (formerly Invitae), Labcorp
Classification: Uncertain significance. Last evaluated: 2023-07-19. Review status: criteria provided, single submitter. Criteria: Invitae Variant Classification Sherloc (09022015). Collection method: clinical testing. Allele origin: germline.
Comment: This variant is not present in population databases (gnomAD no frequency). This sequence change replaces isoleucine, which is neutral and non-polar, with valine, which is neutral and non-polar, at codon 814 of the SAMD9 protein (p.Ile814Val). This variant has not been reported in the literature in individuals affected with SAMD9-related conditions. Advanced modeling of protein sequence and biophysical properties (such as structural, functional, and spatial information, amino acid conservation, physicochemical variation, residue mobility, and thermodynamic stability) has been performed at Invitae for this missense variant, however the output from this modeling did not meet the statistical confidence thresholds required to predict the impact of this variant on SAMD9 protein function. In summary, the available evidence is currently insufficient to determine the role of this variant in disease. Therefore, it has been classified as a Variant of Uncertain Significance.

NM_017654.4(SAMD9):c.2440A>G (p.Ile814Val)

Gene: SAMD9 (sterile alpha motif domain containing 9; minus strand). Cytogenetic location: 7q21.2.
Variant type: single nucleotide variant.
Coding change: c.2440A>G on transcript NM_017654.4 (MANE Select); coding-DNA position 2440, A replaced by G.
Protein change: p.Ile814Val; replaces isoleucine 814 with valine.
Molecular consequence: missense variant.
Genome position (GRCh38, 1-based): chr7:93,103,658, T>C on the plus strand (A>G on the coding strand, the complement: SAMD9 is on the minus strand). VCF-style: chr7-93103658-T-C. GRCh37 (hg19) VCF-style: chr7-92732971-T-C.
Other names: c.2440A>G, p.Ile814Val (NM_001193307.2); short protein forms I814V.
Identifiers: ClinVar variation 2745413 (VCV002745413.3), dbSNP rs2535358280, ClinGen allele CA368190559.